The following is an entry in ClinVar:

ClinVar aggregate classification (germline): Pathogenic/Likely pathogenic. Review status: criteria provided, multiple submitters, no conflicts (2 of 4 stars). 4 submissions from 4 submitters: Pathogenic (1); Likely pathogenic (2). 1 of the submissions does not count toward it. Last evaluated 2025-08-20.

Conditions:
Bardet-Biedl syndrome (BBS). Identifiers: Orphanet 110, MedGen C0752166, MONDO:0015229.
Bardet-Biedl syndrome 10 (BBS10). Identifiers: Orphanet 110, MedGen C1859568, MONDO:0014438, OMIM 615987.

Submissions (4):

Labcorp Genetics (formerly Invitae), Labcorp
Classification: Pathogenic for Bardet-Biedl syndrome. Last evaluated: 2025-08-20. Review status: criteria provided, single submitter. Criteria: Invitae Variant Classification Sherloc (09022015). Collection method: clinical testing. Allele origin: germline.
Comment: This sequence change creates a premature translational stop signal (p.Gly677Valfs*5) in the BBS10 gene. While this is not anticipated to result in nonsense mediated decay, it is expected to disrupt the last 47 amino acid(s) of the BBS10 protein. This variant is present in population databases (no rsID available, gnomAD 0.02%). This variant has not been reported in the literature in individuals affected with BBS10-related conditions. ClinVar contains an entry for this variant (Variation ID: 423236). This variant disrupts a region of the BBS10 protein in which other variant(s) (p.Val707*) have been determined to be pathogenic (PMID: 20472660, 22773737, 25982971, 27486776). This suggests that this is a clinically significant region of the protein, and that variants that disrupt it are likely to be disease-causing. For these reasons, this variant has been classified as Pathogenic.

Fulgent Genetics
Classification: Likely pathogenic for Bardet-Biedl syndrome 10. Last evaluated: 2024-06-10. Review status: criteria provided, single submitter. Criteria: ACMG Guidelines, 2015. Collection method: clinical testing. Allele origin: germline.

GeneDx
Classification: Likely pathogenic. Last evaluated: 2017-01-30. Review status: criteria provided, single submitter. Criteria: GeneDx Variant Classification (06012015). Collection method: clinical testing. Allele origin: germline. Affected: yes.
Comment: The c.2030delG variant in the BBS10 gene has not been reported previously as a pathogenic variant nor as a benign variant, to our knowledge. This variant causes a frameshift starting with codon Glycine 677, changes this amino acid to a Valine residue, and creates a premature Stop codon at position 5 of the new reading frame, denoted p.Gly677ValfsX5. This variant is predicted to cause loss of normal protein function through protein truncation, as the last 47 amino acids of the protein are replaced with 4 incorrect amino acids. The c.2030delG variant was not observed in approximately 6500 individuals of European and African American ancestry in the NHLBI Exome Sequencing Project, indicating it is not a common benign variant in these populations. The c.2030delG variant is a strong candidate for a pathogenic variant; however, the possibility it may be a rare benign variant cannot be excluded.

Counsyl
Classification: Likely pathogenic for Bardet-Biedl syndrome 10. Last evaluated: 2017-06-09. Review status: no assertion criteria provided. Collection method: clinical testing. Allele origin: unknown. Not counted in ClinVar's aggregate classification.

Literature cited by the submitters: PubMed 20472660 (cited by Labcorp Genetics (formerly Invitae), Labcorp); PubMed 22773737 (cited by Labcorp Genetics (formerly Invitae), Labcorp); PubMed 25982971 (cited by Labcorp Genetics (formerly Invitae), Labcorp); PubMed 27486776 (cited by Labcorp Genetics (formerly Invitae), Labcorp).

NM_024685.4(BBS10):c.2030del (p.Gly677fs)

Gene: BBS10 (Bardet-Biedl syndrome 10; minus strand). Cytogenetic location: 12q21.2.
Variant type: Deletion.
Coding change: c.2030del on transcript NM_024685.4 (MANE Select); coding-DNA position 2030, one base deleted (G; older notation c.2030delG).
Protein change: p.Gly677fs; shifts the reading frame from glycine 677.
Molecular consequence: frameshift variant.
Genome position (GRCh38, 1-based): chr12:76,345,955, C deleted on the plus strand (G on the coding strand, the reverse complement: BBS10 is on the minus strand); the first of 2 consecutive C bases (chr12:76,345,955-76,345,956); deleting either gives the same sequence. VCF-style (leftmost placement, unchanged base first): chr12-76345954-AC-A. GRCh37 (hg19) VCF-style: chr12-76739734-AC-A.
Other names: c.2030del, p.Gly677fs (LRG_1255t1); short protein forms G677fs.
Identifiers: ClinVar variation 423236 (VCV000423236.15), dbSNP rs1064796315, ClinGen allele CA16619588.